The following is an entry in ClinVar:

ClinVar aggregate classification (germline): Uncertain significance (1 of 4 stars; one submission).

Conditions:
Brugada syndrome 8 (BRGDA8). Identifiers: Orphanet 130, MedGen C2751083, MONDO:0013148, OMIM 613123.

Allele frequency attached by ClinVar (database versions not stated): gnomAD exomes below 0.00001.
gnomAD v4.1: 1 of 1,531,848 alleles (0.000065%); highest among the groups gnomAD compares: Non-Finnish European, 0.000088%; no homozygotes.

Submission:

Labcorp Genetics (formerly Invitae), Labcorp
Classification: Uncertain significance for Brugada syndrome 8. Last evaluated: 2023-07-12. Review status: criteria provided, single submitter. Criteria: Invitae Variant Classification Sherloc (09022015). Collection method: clinical testing. Allele origin: germline.
Comment: This sequence change replaces leucine, which is neutral and non-polar, with glutamine, which is neutral and polar, at codon 959 of the HCN4 protein (p.Leu959Gln). In summary, the available evidence is currently insufficient to determine the role of this variant in disease. Therefore, it has been classified as a Variant of Uncertain Significance. Advanced modeling of protein sequence and biophysical properties (such as structural, functional, and spatial information, amino acid conservation, physicochemical variation, residue mobility, and thermodynamic stability) performed at Invitae indicates that this missense variant is not expected to disrupt HCN4 protein function. ClinVar contains an entry for this variant (Variation ID: 953355). This variant has not been reported in the literature in individuals affected with HCN4-related conditions. This variant is not present in population databases (gnomAD no frequency).

NM_005477.3(HCN4):c.2876T>A (p.Leu959Gln)

Gene: HCN4 (hyperpolarization activated cyclic nucleotide gated potassium channel 4; minus strand). Cytogenetic location: 15q24.1.
Variant type: single nucleotide variant.
Coding change: c.2876T>A on transcript NM_005477.3 (MANE Select); coding-DNA position 2876, T replaced by A.
Protein change: p.Leu959Gln; replaces leucine 959 with glutamine.
Molecular consequence: missense variant.
Genome position (GRCh38, 1-based): chr15:73,323,217, A>T on the plus strand (T>A on the coding strand, the complement: HCN4 is on the minus strand). VCF-style: chr15-73323217-A-T. GRCh37 (hg19) VCF-style: chr15-73615558-A-T.
Other names: short protein forms L959Q.
Identifiers: ClinVar variation 953355 (VCV000953355.9), dbSNP rs2042874508, ClinGen allele CA393087150.
Genomic context (GRCh38, chr15:73,323,217, plus strand): 5'-GGAGGCTGGCCCAGCTGCCCGGGGCTAGATGACGGGGATCTGGATGAGGGTGGGGGTGGC[A>T]GGAAGTGCTCCGGGAGTCCCAGGCCTCCCCGGGCCCCGGGTGGCGCGGGAGATGGCTGGG-3'
Protein context (NP_005468.1, residues 949-969): RGGLGLPEHF[Leu959Gln]PPPPSSRSPS